The following is an entry in ClinVar:

NM_000237.3(LPL):c.257G>A (p.Gly86Glu)

Gene: LPL (lipoprotein lipase; plus strand). Cytogenetic location: 8p21.3.
Variant type: single nucleotide variant.
Coding change: c.257G>A on transcript NM_000237.3 (MANE Select); coding-DNA position 257, G replaced by A.
Protein change: p.Gly86Glu; replaces glycine 86 with glutamic acid.
Molecular consequence: missense variant.
Genome position (GRCh38, 1-based): chr8:19,951,776, G>A. VCF-style: chr8-19951776-G-A. GRCh37 (hg19) VCF-style: chr8-19809287-G-A.
Other names: short protein forms G86E.
Identifiers: ClinVar variation 4085235 (VCV004085235.8).
Genomic context (GRCh38, chr8:19,951,776, plus strand): 5'-CTATGACAAGTGGTAGGTGGGTATTTTAAGAAAGCTTGTGTCATCATCTTCAGGTAACAG[G>A]AATGTATGAGAGTTGGGTGCCAAAACTTGTGGCCGCCCTGTACAAGAGAGAACCAGACTC-3'
Protein context (NP_000228.1, residues 76-96): FMVIHGWTVT[Gly86Glu]MYESWVPKLV

ClinVar aggregate classification (germline): Uncertain significance (1 of 4 stars; one submission).

gnomAD v4.1: 3 of 1,614,062 alleles (0.00019%); highest among the groups gnomAD compares: Admixed American, 0.0017%; no homozygotes.

Submission:

CeGaT Center for Human Genetics Tuebingen
Classification: Uncertain significance. Last evaluated: 2025-06-01. Review status: criteria provided, single submitter. Criteria: CeGaT Center For Human Genetics Tuebingen Variant Classification Criteria Version 2. Collection method: clinical testing. Allele origin: germline. Affected: yes. Observed: 1 variant allele.
Comment: LPL: PM2, PP3